The following is an entry in ClinVar:

NM_019066.5(MAGEL2):c.953C>G (p.Pro318Arg)

Gene: MAGEL2 (MAGE family member L2; minus strand). Cytogenetic location: 15q11.2.
Variant type: single nucleotide variant.
Coding change: c.953C>G on transcript NM_019066.5 (MANE Select); coding-DNA position 953, C replaced by G.
Protein change: p.Pro318Arg; replaces proline 318 with arginine.
Molecular consequence: missense variant.
Genome position (GRCh38, 1-based): chr15:23,646,790, G>C on the plus strand (C>G on the coding strand, the complement: MAGEL2 is on the minus strand). VCF-style: chr15-23646790-G-C. GRCh37 (hg19) VCF-style: chr15-23891937-G-C.
Other names: c.953C>G (NM_019066.4); short protein forms P318R.
Identifiers: ClinVar variation 1932947 (VCV001932947.7), dbSNP rs1010497967, ClinGen allele CA391335485.

ClinVar aggregate classification (germline): Uncertain significance. Review status: criteria provided, multiple submitters, no conflicts (2 of 4 stars). 3 submissions from 3 submitters: Uncertain significance (2). 1 of the submissions does not count toward it. Last evaluated 2025-07-31.

Conditions:
MAGEL2-related disorder. Also called: MAGEL2-related condition.
Inborn genetic diseases. Identifiers: MedGen C0950123, MeSH D030342.

Allele frequency attached by ClinVar (database versions not stated): gnomAD 0.00003.

Submissions (3):

Ambry Genetics
Classification: Uncertain significance for Inborn genetic diseases. Last evaluated: 2025-07-31. Review status: criteria provided, single submitter. Criteria: Ambry Variant Classification Scheme 2023. Collection method: clinical testing. Allele origin: germline.

Labcorp Genetics (formerly Invitae), Labcorp
Classification: Uncertain significance. Last evaluated: 2022-09-07. Review status: criteria provided, single submitter. Criteria: Invitae Variant Classification Sherloc (09022015). Collection method: clinical testing. Allele origin: germline.
Comment: This sequence change replaces proline, which is neutral and non-polar, with arginine, which is basic and polar, at codon 318 of the MAGEL2 protein (p.Pro318Arg). This variant is present in population databases (no rsID available, gnomAD 0.02%). This variant has not been reported in the literature in individuals affected with MAGEL2-related conditions. Experimental studies and prediction algorithms are not available or were not evaluated, and the functional significance of this variant is currently unknown. In summary, the available evidence is currently insufficient to determine the role of this variant in disease. Therefore, it has been classified as a Variant of Uncertain Significance.

PreventionGenetics, part of Exact Sciences
Classification: Uncertain significance for MAGEL2-related condition. Last evaluated: 2024-01-27. Review status: no assertion criteria provided. Collection method: clinical testing. Allele origin: germline. Not counted in ClinVar's aggregate classification.
Comment: The MAGEL2 c.953C>G variant is predicted to result in the amino acid substitution p.Pro318Arg. To our knowledge, this variant has not been reported in the literature. This variant is reported in 0.015% of alleles in individuals of African descent in gnomAD. It should be noted that this variant falls within a highly paralogous region and allele frequency data should be interpreted with caution. At this time, the clinical significance of this variant is uncertain due to the absence of conclusive functional and genetic evidence.